The following is an entry in ClinVar:

NM_006846.4(SPINK5):c.402T>C (p.Ala134=)

Gene: SPINK5 (serine peptidase inhibitor Kazal type 5; plus strand). Cytogenetic location: 5q32.
Variant type: single nucleotide variant.
Coding change: c.402T>C on transcript NM_006846.4 (MANE Select); coding-DNA position 402, T replaced by C.
Protein change: p.Ala134=; no amino-acid change (alanine 134 retained).
Molecular consequence: synonymous variant.
Genome position (GRCh38, 1-based): chr5:148,086,524, T>C. VCF-style: chr5-148086524-T-C. GRCh37 (hg19) VCF-style: chr5-147466087-T-C.
Other names: c.402T>C, p.Ala134= (NM_001127698.2, NM_001127699.2).
Identifiers: ClinVar variation 792667 (VCV000792667.9), dbSNP rs371877583, ClinGen allele CA3495189.

ClinVar aggregate classification (germline): Likely benign. Review status: criteria provided, multiple submitters, no conflicts (2 of 4 stars). 2 submissions from 2 submitters: Likely benign (2). Last evaluated 2026-09-01.

Conditions:
Ichthyosis linearis circumflexa. Identifiers: MedGen C0265962, MONDO:0043106, HP:0025810.

Allele frequency attached by ClinVar (database versions not stated): ExAC 0.00001; gnomAD exomes 0.00002; ESP Exome Variant Server 0.00008; gnomAD 0.00014 and 0.00015; TOPMed 0.00014.
gnomAD v4.1: 49 of 1,611,034 alleles (0.003%); highest among the groups gnomAD compares: African/African-American, 0.046%; no homozygotes.

Submissions (2):

CeGaT Center for Human Genetics Tuebingen
Classification: Likely benign. Last evaluated: 2026-09-01. Review status: criteria provided, single submitter. Criteria: CeGaT Center For Human Genetics Tuebingen Variant Classification Criteria Version 2. Collection method: clinical testing. Allele origin: germline. Affected: yes. Observed: 1 variant allele.
Comment: SPINK5: BP4, BP7

Labcorp Genetics (formerly Invitae), Labcorp
Classification: Likely benign for Ichthyosis linearis circumflexa. Last evaluated: 2025-04-23. Review status: criteria provided, single submitter. Criteria: Invitae Variant Classification Sherloc (09022015). Collection method: clinical testing. Allele origin: germline.